The following is an entry in ClinVar:

NM_004260.4(RECQL4):c.1166G>A (p.Cys389Tyr)

Gene: RECQL4 (RecQ like helicase 4; minus strand). Cytogenetic location: 8q24.3.
Variant type: single nucleotide variant.
Coding change: c.1166G>A on transcript NM_004260.4 (MANE Select); coding-DNA position 1166, G replaced by A.
Protein change: p.Cys389Tyr; replaces cysteine 389 with tyrosine.
Molecular consequence: missense variant.
Genome position (GRCh38, 1-based): chr8:144,515,856, C>T on the plus strand (G>A on the coding strand, the complement: RECQL4 is on the minus strand). VCF-style: chr8-144515856-C-T. GRCh37 (hg19) VCF-style: chr8-145741240-C-T.
Other names: c.1166G>A (NM_004260.3); short protein forms C389Y.
Identifiers: ClinVar variation 1021386 (VCV001021386.7), dbSNP rs1828090979, ClinGen allele CA372687724.

ClinVar aggregate classification (germline): Uncertain significance. Review status: criteria provided, multiple submitters, no conflicts (2 of 4 stars). 2 submissions from 2 submitters: Uncertain significance (2). Last evaluated 2025-08-29.

Conditions:
Baller-Gerold syndrome (BGS). Also called: CRANIOSYNOSTOSIS WITH RADIAL DEFECTS. Identifiers: Orphanet 1225, MedGen C0265308, MONDO:0009039, OMIM 218600.
Inborn genetic diseases. Identifiers: MedGen C0950123, MeSH D030342.

Allele frequency attached by ClinVar (database versions not stated): gnomAD exomes below 0.00001; TOPMed below 0.00001.

Submissions (2):

Ambry Genetics
Classification: Uncertain significance for Inborn genetic diseases. Last evaluated: 2025-08-29. Review status: criteria provided, single submitter. Criteria: Ambry Variant Classification Scheme 2023. Collection method: clinical testing. Allele origin: germline.

Labcorp Genetics (formerly Invitae), Labcorp
Classification: Uncertain significance for Baller-Gerold syndrome. Last evaluated: 2023-09-04. Review status: criteria provided, single submitter. Criteria: Invitae Variant Classification Sherloc (09022015). Collection method: clinical testing. Allele origin: germline.
Comment: ClinVar contains an entry for this variant (Variation ID: 1021386). This variant has not been reported in the literature in individuals affected with RECQL4-related conditions. This variant is not present in population databases (gnomAD no frequency). This sequence change replaces cysteine, which is neutral and slightly polar, with tyrosine, which is neutral and polar, at codon 389 of the RECQL4 protein (p.Cys389Tyr). Advanced modeling of protein sequence and biophysical properties (such as structural, functional, and spatial information, amino acid conservation, physicochemical variation, residue mobility, and thermodynamic stability) performed at Invitae indicates that this missense variant is not expected to disrupt RECQL4 protein function. In summary, the available evidence is currently insufficient to determine the role of this variant in disease. Therefore, it has been classified as a Variant of Uncertain Significance.